The following is an entry in ClinVar:

ClinVar aggregate classification (germline): Uncertain significance (1 of 4 stars; one submission).

Submission:

Ambry Genetics
Classification: Uncertain significance. Last evaluated: 2025-02-13. Review status: criteria provided, single submitter. Criteria: Ambry Variant Classification Scheme 2023. Collection method: clinical testing. Allele origin: germline.
Comment: The p.P843A variant (also known as c.2527C>G), located in coding exon 24 of the RASA2 gene, results from a C to G substitution at nucleotide position 2527. The proline at codon 843 is replaced by alanine, an amino acid with highly similar properties. This amino acid position is conserved. In addition, the in silico prediction for this alteration is inconclusive. Based on the available evidence, the clinical significance of this variant remains unclear.

NM_006506.5(RASA2):c.2527C>G (p.Pro843Ala)

Gene: RASA2 (RAS p21 protein activator 2; plus strand). Cytogenetic location: 3q23.
Variant type: single nucleotide variant.
Coding change: c.2527C>G on transcript NM_006506.5 (MANE Select); coding-DNA position 2527, C replaced by G.
Protein change: p.Pro843Ala; replaces proline 843 with alanine.
Molecular consequence: missense variant.
Genome position (GRCh38, 1-based): chr3:141,612,290, C>G. VCF-style: chr3-141612290-C-G. GRCh37 (hg19) VCF-style: chr3-141331132-C-G.
Other names: c.2530C>G, p.Pro844Ala (NM_001303245.3); c.2539C>G, p.Pro847Ala (NM_001303246.3); short protein forms P843A, P847A, P844A.
Identifiers: ClinVar variation 3786976 (VCV003786976.1).